The following is an entry in ClinVar:

ClinVar aggregate classification (germline): Uncertain significance. Review status: criteria provided, multiple submitters, no conflicts (2 of 4 stars). 2 submissions from 2 submitters: Uncertain significance (2). Last evaluated 2023-03-06.

Conditions:
Inborn genetic diseases. Identifiers: MedGen C0950123, MeSH D030342.
Familial infantile myasthenia (CMS6). Also called: Congenital myasthenic syndrome type 6; MYASTHENIC SYNDROME, CONGENITAL, 6, PRESYNAPTIC; MYASTHENIC SYNDROME, PRESYNAPTIC, CONGENITAL, ASSOCIATED WITH EPISODIC APNEA. Identifiers: Orphanet 590, MedGen C0393929, MONDO:0009689, OMIM 254210.

Allele frequency attached by ClinVar (database versions not stated): gnomAD exomes below 0.00001; ExAC 0.00001; gnomAD 0.00001; TOPMed 0.00002.

Submissions (2):

Ambry Genetics
Classification: Uncertain significance for Inborn genetic diseases. Last evaluated: 2023-03-06. Review status: criteria provided, single submitter. Criteria: Ambry Variant Classification Scheme 2023. Collection method: clinical testing. Allele origin: germline.

Labcorp Genetics (formerly Invitae), Labcorp
Classification: Uncertain significance for Familial infantile myasthenia. Last evaluated: 2022-07-14. Review status: criteria provided, single submitter. Criteria: Invitae Variant Classification Sherloc (09022015). Collection method: clinical testing. Allele origin: germline.
Comment: This sequence change replaces asparagine, which is neutral and polar, with serine, which is neutral and polar, at codon 342 of the CHAT protein (p.Asn342Ser). This variant is present in population databases (rs781745178, gnomAD 0.0009%). This variant has not been reported in the literature in individuals affected with CHAT-related conditions. ClinVar contains an entry for this variant (Variation ID: 1402299). Advanced modeling of protein sequence and biophysical properties (such as structural, functional, and spatial information, amino acid conservation, physicochemical variation, residue mobility, and thermodynamic stability) performed at Invitae indicates that this missense variant is not expected to disrupt CHAT protein function. Algorithms developed to predict the effect of sequence changes on RNA splicing suggest that this variant may create or strengthen a splice site. In summary, the available evidence is currently insufficient to determine the role of this variant in disease. Therefore, it has been classified as a Variant of Uncertain Significance.

NM_020549.5(CHAT):c.1025A>G (p.Asn342Ser)

Gene: CHAT (choline O-acetyltransferase; plus strand). Cytogenetic location: 10q11.23.
Variant type: single nucleotide variant.
Coding change: c.1025A>G on transcript NM_020549.5 (MANE Select); coding-DNA position 1025, A replaced by G.
Protein change: p.Asn342Ser; replaces asparagine 342 with serine.
Molecular consequence: missense variant.
Genome position (GRCh38, 1-based): chr10:49,627,699, A>G. VCF-style: chr10-49627699-A-G. GRCh37 (hg19) VCF-style: chr10-50835745-A-G.
Other names: c.671A>G, p.Asn224Ser (NM_001142929.2, NM_001142934.2, NM_020984.4 and 2 more transcripts); c.779A>G, p.Asn260Ser (NM_001142933.2); c.1025A>G (NM_020549.4); short protein forms N342S, N260S, N224S.
Identifiers: ClinVar variation 1402299 (VCV001402299.4), dbSNP rs781745178, ClinGen allele CA5497332.